The following is an entry in ClinVar:

NM_020433.5(JPH2):c.823G>C (p.Glu275Gln)

Gene: JPH2 (junctophilin 2; minus strand). Cytogenetic location: 20q13.12.
Variant type: single nucleotide variant.
Coding change: c.823G>C on transcript NM_020433.5 (MANE Select); coding-DNA position 823, G replaced by C.
Protein change: p.Glu275Gln; replaces glutamic acid 275 with glutamine.
Molecular consequence: missense variant.
Genome position (GRCh38, 1-based): chr20:44,159,964, C>G on the plus strand (G>C on the coding strand, the complement: JPH2 is on the minus strand). VCF-style: chr20-44159964-C-G. GRCh37 (hg19) VCF-style: chr20-42788604-C-G.
Other names: short protein forms E275Q.
Identifiers: ClinVar variation 1762582 (VCV001762582.2), dbSNP rs760374920, ClinGen allele CA9868808.

ClinVar aggregate classification (germline): Uncertain significance (1 of 4 stars; one submission).

Conditions:
Cardiovascular phenotype. Identifiers: MedGen CN230736.

Allele frequency attached by ClinVar (database versions not stated): ExAC 0.00001; TOPMed 0.00001.
gnomAD v4.1: 1 of 1,600,088 alleles (0.000062%); highest among the groups gnomAD compares: Non-Finnish European, 0.000085%; no homozygotes.

Submission:

Ambry Genetics
Classification: Uncertain significance for Cardiovascular phenotype. Last evaluated: 2022-04-03. Review status: criteria provided, single submitter. Criteria: Ambry Variant Classification Scheme 2023. Collection method: clinical testing. Allele origin: germline.
Comment: The p.E275Q variant (also known as c.823G>C), located in coding exon 2 of the JPH2 gene, results from a G to C substitution at nucleotide position 823. The glutamic acid at codon 275 is replaced by glutamine, an amino acid with highly similar properties. This amino acid position is conserved. In addition, this alteration is predicted to be tolerated by in silico analysis. Since supporting evidence is limited at this time, the clinical significance of this alteration remains unclear.